The following is an entry in ClinVar:

NM_016356.5(DCDC2):c.1344A>G (p.Gln448=)

Gene: DCDC2 (doublecortin domain containing 2; minus strand). Cytogenetic location: 6p22.3.
Variant type: single nucleotide variant.
Coding change: c.1344A>G on transcript NM_016356.5 (MANE Select); coding-DNA position 1344, A replaced by G.
Protein change: p.Gln448=; no amino-acid change (glutamine 448 retained).
Molecular consequence: synonymous variant.
Genome position (GRCh38, 1-based): chr6:24,174,817, T>C on the plus strand (A>G on the coding strand, the complement: DCDC2 is on the minus strand). VCF-style: chr6-24174817-T-C. GRCh37 (hg19) VCF-style: chr6-24175045-T-C.
Other names: c.1344A>G, p.Gln448= (NM_001195610.2).
Identifiers: ClinVar variation 739336 (VCV000739336.9), dbSNP rs368603558, ClinGen allele CA3654438.

ClinVar aggregate classification (germline): Likely benign. Review status: criteria provided, multiple submitters, no conflicts (2 of 4 stars). 2 submissions from 2 submitters: Likely benign (2). Last evaluated 2025-06-12.

Conditions:
DCDC2-related disorder. Also called: DCDC2-related condition.
Isolated neonatal sclerosing cholangitis (NSC). Also called: Sclerosing cholangitis, neonatal. Identifiers: Orphanet 480556, MedGen C4479344, MONDO:0018816, OMIM 617394.
Autosomal recessive nonsyndromic hearing loss 66 (DFNB66). Also called: Deafness, autosomal recessive 66. Identifiers: Orphanet 90636, MedGen C1857750, MONDO:0012442, OMIM 610212.

Allele frequency attached by ClinVar (database versions not stated): gnomAD exomes below 0.00001; ExAC 0.00001; gnomAD 0.00003 and 0.00004; TOPMed 0.00006; ESP Exome Variant Server 0.00015.
gnomAD v4.1: 8 of 1,613,134 alleles (0.0005%); highest among the groups gnomAD compares: African/African-American, 0.011%; no homozygotes.

Submissions (2):

Labcorp Genetics (formerly Invitae), Labcorp
Classification: Likely benign for Autosomal recessive nonsyndromic hearing loss 66; Isolated neonatal sclerosing cholangitis. Last evaluated: 2025-06-12. Review status: criteria provided, single submitter. Criteria: Invitae Variant Classification Sherloc (09022015). Collection method: clinical testing. Allele origin: germline.

PreventionGenetics, part of Exact Sciences
Classification: Likely benign for DCDC2-related condition. Last evaluated: 2024-11-19. Review status: criteria provided, single submitter. Criteria: ACMG Guidelines, 2015. Collection method: clinical testing. Allele origin: germline.
Comment: This variant is classified as likely benign based on ACMG/AMP sequence variant interpretation guidelines (Richards et al. 2015 PMID: 25741868, with internal and published modifications).